The following is an entry in ClinVar:

NM_001277115.2(DNAH11):c.4504C>T (p.Gln1502Ter)

Gene: DNAH11 (dynein axonemal heavy chain 11; plus strand). Cytogenetic location: 7p15.3.
Variant type: single nucleotide variant.
Coding change: c.4504C>T on transcript NM_001277115.2 (MANE Select); coding-DNA position 4504, C replaced by T.
Protein change: p.Gln1502Ter; replaces glutamine 1502 with a stop codon.
Molecular consequence: nonsense.
Genome position (GRCh38, 1-based): chr7:21,635,874, C>T. VCF-style: chr7-21635874-C-T. GRCh37 (hg19) VCF-style: chr7-21675492-C-T.
Other names: NM_001277115.2(DNAH11):c.4504C>T; p.Gln1502Ter; c.4519C>T, p.Gln1507Ter (NM_003777.3); short protein forms Q1502*, Q1507*.
Identifiers: ClinVar variation 1741069 (VCV001741069.6), dbSNP rs774689207, ClinGen allele CA366933113.

ClinVar aggregate classification (germline): Pathogenic/Likely pathogenic. Review status: criteria provided, multiple submitters, no conflicts (2 of 4 stars). 3 submissions from 3 submitters: Pathogenic (2); Likely pathogenic (1). Last evaluated 2025-02-12.

Conditions:
Primary ciliary dyskinesia. Also called: Ciliary dyskinesia. Identifiers: Orphanet 244, MedGen C0008780, MONDO:0016575, HP:0012265.
Primary ciliary dyskinesia 7. Also called: CILIARY DYSKINESIA, PRIMARY, 7, WITH OR WITHOUT SITUS INVERSUS. Identifiers: Orphanet 244, MedGen C2678473, MONDO:0012748, OMIM 611884.

gnomAD v4.1: 3 of 1,604,598 alleles (0.00019%); highest among the groups gnomAD compares: African/African-American, 0.0027%; no homozygotes.

Submissions (3):

Broad Center for Mendelian Genomics, Broad Institute of MIT and Harvard
Classification: Likely pathogenic for Primary ciliary dyskinesia 7. Last evaluated: 2025-02-12. Review status: criteria provided, single submitter. Criteria: ACMG Guidelines, 2015. Collection method: curation. Allele origin: germline. Inheritance: Autosomal recessive inheritance.
Comment: The p.Gln1502Ter variant in DNAH11 has not been previously reported in the literature in individuals with primary ciliary dyskinesia, but has been identified in 0.003% (2/74804) of African/African American chromosomes by the Genome Aggregation Database (gnomAD; dbSNP rs774689207). Although this variant has been seen in the general population in a heterozygous state, its frequency is low enough to be consistent with a recessive carrier frequency. This variant has also been reported in ClinVar (Variation ID: 1741069) and has been interpreted as pathogenic by Invitae and Ambry Genetics. This nonsense variant leads to a premature termination codon at position 1502, which is predicted to lead to a truncated or absent protein. Loss of function of the DNAH11 gene is an established disease mechanism in autosomal recessive primary ciliary dyskinesia. In summary, although additional studies are required to fully establish its clinical significance, this variant is likely pathogenic for autosomal recessive primary ciliary dyskinesia. ACMG/AMP Criteria applied: PVS1, PM2_supporting (Richards 2015).

Labcorp Genetics (formerly Invitae), Labcorp
Classification: Pathogenic for Primary ciliary dyskinesia. Last evaluated: 2024-10-13. Review status: criteria provided, single submitter. Criteria: Invitae Variant Classification Sherloc (09022015). Collection method: clinical testing. Allele origin: germline.
Comment: This sequence change creates a premature translational stop signal (p.Gln1502*) in the DNAH11 gene. It is expected to result in an absent or disrupted protein product. Loss-of-function variants in DNAH11 are known to be pathogenic (PMID: 18022865, 20513915, 22184204). This variant is not present in population databases (gnomAD no frequency). This variant has not been reported in the literature in individuals affected with DNAH11-related conditions. ClinVar contains an entry for this variant (Variation ID: 1741069). For these reasons, this variant has been classified as Pathogenic.

Ambry Genetics
Classification: Pathogenic for Primary ciliary dyskinesia. Last evaluated: 2022-04-21. Review status: criteria provided, single submitter. Criteria: Ambry Variant Classification Scheme 2023. Collection method: clinical testing. Allele origin: germline.
Comment: The p.Q1502* pathogenic mutation (also known as c.4504C>T), located in coding exon 26 of the DNAH11 gene, results from a C to T substitution at nucleotide position 4504. This changes the amino acid from a glutamine to a stop codon within coding exon 26. This variant is considered to be rare based on population cohorts in the Genome Aggregation Database (gnomAD). This alteration is expected to result in loss of function by premature protein truncation or nonsense-mediated mRNA decay. As such, this alteration is interpreted as a disease-causing mutation.

Literature cited by the submitters: PubMed 18022865 (cited by Labcorp Genetics (formerly Invitae), Labcorp); PubMed 20513915 (cited by Labcorp Genetics (formerly Invitae), Labcorp); PubMed 22184204 (cited by Labcorp Genetics (formerly Invitae), Labcorp).